The following is an entry in ClinVar:

NM_017838.4(NHP2):c.365G>A (p.Arg122His)

Genes: RMND5B (required for meiotic nuclear division 5 homolog B; plus strand), NHP2 (NHP2 ribonucleoprotein; minus strand). Cytogenetic location: 5q35.3.
Variant type: single nucleotide variant.
Coding change: c.365G>A on transcript NM_017838.4 (MANE Select); coding-DNA position 365, G replaced by A.
Protein change: p.Arg122His; replaces arginine 122 with histidine.
Molecular consequence: missense variant. On other transcripts: 3 prime UTR variant (3).
Genome position (GRCh38, 1-based): chr5:178,149,810, C>T on the plus strand (G>A on the coding strand, the complement: NHP2 is on the minus strand). VCF-style: chr5-178149810-C-T. GRCh37 (hg19) VCF-style: chr5-177576811-C-T.
Other names: c.259G>A, p.Ala87Thr (NM_001034833.2); c.493G>A, p.Ala165Thr (NM_001396110.1); c.*1778C>T (NM_001288794.2, NM_001288795.2, NM_022762.5); short protein forms A165T, A87T, R122H.
Identifiers: ClinVar variation 2974055 (VCV002974055.3), dbSNP rs1383213989, ClinGen allele CA362391166.

ClinVar aggregate classification (germline): Uncertain significance (1 of 4 stars; one submission).

Conditions:
Dyskeratosis congenita. Identifiers: Orphanet 1775, MedGen C0265965, MONDO:0015780.

Allele frequency attached by ClinVar (database versions not stated): gnomAD exomes 0.00001.
gnomAD v4.1: 8 of 1,613,786 alleles (0.0005%); highest among the groups gnomAD compares: Admixed American, 0.0017%; no homozygotes.

Submission:

Labcorp Genetics (formerly Invitae), Labcorp
Classification: Uncertain significance for Dyskeratosis congenita. Last evaluated: 2024-04-02. Review status: criteria provided, single submitter. Criteria: Invitae Variant Classification Sherloc (09022015). Collection method: clinical testing. Allele origin: germline.
Comment: This sequence change replaces arginine, which is basic and polar, with histidine, which is basic and polar, at codon 122 of the NHP2 protein (p.Arg122His). This variant is present in population databases (no rsID available, gnomAD 0.003%). This variant has not been reported in the literature in individuals affected with NHP2-related conditions. An algorithm developed to predict the effect of missense changes on protein structure and function (PolyPhen-2) suggests that this variant is likely to be tolerated. In summary, the available evidence is currently insufficient to determine the role of this variant in disease. Therefore, it has been classified as a Variant of Uncertain Significance.